The following is an entry in ClinVar:

NM_000209.4(PDX1):c.725C>T (p.Pro242Leu)

Gene: PDX1 (pancreatic and duodenal homeobox 1; plus strand). Cytogenetic location: 13q12.2.
Variant type: single nucleotide variant.
Coding change: c.725C>T on transcript NM_000209.4 (MANE Select); coding-DNA position 725, C replaced by T.
Protein change: p.Pro242Leu; replaces proline 242 with leucine.
Molecular consequence: missense variant.
Genome position (GRCh38, 1-based): chr13:27,924,574, C>T. VCF-style: chr13-27924574-C-T. GRCh37 (hg19) VCF-style: chr13-28498711-C-T.
Other names: short protein forms P242L.
Identifiers: ClinVar variation 36411 (VCV000036411.34), dbSNP rs193922358, ClinGen allele CA214075.

ClinVar aggregate classification (germline): Conflicting classifications of pathogenicity. Review status: criteria provided, conflicting classifications (1 of 4 stars). 11 submissions from 11 submitters: Uncertain significance (3); Benign (2); Likely benign (5). 1 of the submissions does not count toward it. Last evaluated 2025-11-03.

Conditions:
Pancreatic hypoplasia. Identifiers: MedGen C0266267, HP:0002594.
Maturity-onset diabetes of the young type 4 (MODY4). Also called: Maturity-onset diabetes of the young, type IV; MODY, type IV. Identifiers: Orphanet 552, MedGen C1833382, MONDO:0011667, OMIM 606392.
PDX1-related disorder. Also called: PDX1-related disorders; PDX1-related condition.

Allele frequency attached by ClinVar (database versions not stated): 1000 Genomes Project 0.00060; 1000 Genomes Project 30x 0.00062; ESP Exome Variant Server 0.00064; TOPMed 0.00099; gnomAD 0.00115 and 0.00119; gnomAD exomes 0.00120; ExAC 0.00296.
gnomAD v4.1: 2,205 of 1,506,836 alleles (0.15%); highest among the groups gnomAD compares: Non-Finnish European, 0.18%; 3 homozygotes.

Submissions (11):

Labcorp Genetics (formerly Invitae), Labcorp
Classification: Likely benign. Last evaluated: 2025-11-03. Review status: criteria provided, single submitter. Criteria: Invitae Variant Classification Sherloc (09022015). Collection method: clinical testing. Allele origin: germline.

CeGaT Center for Human Genetics Tuebingen
Classification: Likely benign. Last evaluated: 2025-03-01. Review status: criteria provided, single submitter. Criteria: CeGaT Center For Human Genetics Tuebingen Variant Classification Criteria Version 2. Collection method: clinical testing. Allele origin: germline. Affected: yes. Observed: 1 variant allele.
Comment: PDX1: BS1

Blueprint Genetics
Classification: Likely benign. Last evaluated: 2024-11-25. Review status: criteria provided, single submitter. Criteria: ACMG Guidelines, 2015. Collection method: clinical testing. Allele origin: germline.

Revvity Omics, Revvity
Classification: Uncertain significance. Last evaluated: 2024-09-06. Review status: criteria provided, single submitter. Criteria: ACMG Guidelines, 2015. Collection method: clinical testing. Allele origin: germline.

Broad Center for Mendelian Genomics, Broad Institute of MIT and Harvard
Classification: Benign for Maturity-onset diabetes of the young type 4. Last evaluated: 2020-01-22. Review status: criteria provided, single submitter. Criteria: ACMG Guidelines, 2015. Collection method: curation. Allele origin: germline. Inheritance: Autosomal dominant inheritance.
Comment: The p.Pro242Leu variant in PDX1 has been reported in at least 1 Asian individual with maturity-onset diabetes of the young type 4 (PMID: 27420379), and has been identified in 0.2% (124/58140) of European (non-Finnish) chromosomes and multiple other populations at lower frequencies by the Genome Aggregation Database (gnomAD; dbSNP rs193922358). This variant has been seen in the general population at a frequency high enough to rule out a pathogenic role. This variant has also been reported in ClinVar as having conflicting interpretations of pathogenicity (Variation ID: 36411). Computational prediction tools, including splice predictors, and conservation analyses suggest that this variant may not impact the protein, though this information is not predictive enough to rule out pathogenicity. In summary, this variant meets criteria to be classified as benign for MODY type 4 in an autosomal dominant manner based on computational tool predictions and the frequency of this variant in multiple populations. ACMG/AMP Criteria applied: BP4, BA1 (Richards 2015).

GeneDx
Classification: Likely benign. Last evaluated: 2019-11-15. Review status: criteria provided, single submitter. Criteria: GeneDx Variant Classification Process June 2021. Collection method: clinical testing. Allele origin: germline. Affected: yes.
Comment: This variant is associated with the following publications: (PMID: 29439679)

Athena Diagnostics
Classification: Benign. Last evaluated: 2019-11-01. Review status: criteria provided, single submitter. Criteria: Athena Diagnostics Criteria. Collection method: clinical testing. Allele origin: unknown.

Women's Health and Genetics/Laboratory Corporation of America, LabCorp
Classification: Likely benign. Last evaluated: 2019-02-05. Review status: criteria provided, single submitter. Criteria: LabCorp Variant Classification Summary - May 2015. Collection method: clinical testing. Allele origin: germline.
Comment: Variant summary: The variant, PDX1 (legacy gene name IPF1) c.725C>T (p.Pro242Leu) results in a non-conservative amino acid change in the encoded protein sequence. Four of five in-silico tools predict a benign effect of the variant on protein function. The variant allele was found at a frequency of 0.0013 in 134384 control chromosomes, predominantly at a frequency of 0.0022 within the Non-Finnish European subpopulation in the gnomAD database, including 1 homozygote. The observed variant frequency within Non-Finnish European control individuals in the gnomAD database is approximately 1760 fold of the estimated maximal expected allele frequency for a pathogenic variant in PDX1 causing Familial Monogenic Diabetes (Maturity Onset Diabetes of the Young 4)/Neonatal Diabetes Mellitus phenotype, 1.3e-06), strongly suggesting that the variant is a benign polymorphism found primarily in populations of Non-Finnish European origin. Mohan et al (Mohan_2018) state that the variant was found in similar frequencies in MODY cases and in general population in South India and suggests that the variant most likely have little to no effect on risk of developing MODY. The variant c.725C>T has been reported in the literature in individuals affected with MODY (Ang_2016, Chambers_2016). However, these reports do not provide unequivocal conclusions about association of the variant with the disease. To our knowledge, no experimental evidence demonstrating an impact on protein function has been reported. One clinical diagnostic laboratory has submitted clinical-significance assessments for this variant to ClinVar after 2014 without evidence for independent evaluation and classified the variant as uncertain significance. Based on the evidence outlined above, the variant was classified as likely benign.

Laboratory for Molecular Medicine, Mass General Brigham Personalized Medicine
Classification: Uncertain significance. Last evaluated: 2016-03-28. Review status: criteria provided, single submitter. Criteria: LMM Criteria. Collection method: clinical testing. Allele origin: germline.
Comment: Variant identified in a genome or exome case(s) and assessed due to predicted null impact of the variant or pathogenic assertions in the literature or databases. Disclaimer: This variant has not undergone full assessment. The following are preliminary notes: LP by Labcorp (2011). Low reads. Could not find any publications.

Clinical Genomics, Uppaluri K&H Personalized Medicine Clinic
Classification: Uncertain significance for Pancreatic hypoplasia. Review status: criteria provided, single submitter. Criteria: K & H Uppaluri Personalized Medicine Clinic Variant Classification & Assertion Criteria_Updated V.1. Collection method: research. Allele origin: unknown. Inheritance: Autosomal recessive inheritance.
Comment: Potent homozygous mutations in the PDX1 gene can lead to pancreatic agenesis/pancreatic hypoplasia and neonatal diabetes mellitus. However no sufficient evidence is found to ascertain the role of this particular variant rs193922358, yet.

PreventionGenetics, part of Exact Sciences
Classification: Likely benign for PDX1-related condition. Last evaluated: 2020-10-14. Review status: no assertion criteria provided. Collection method: clinical testing. Allele origin: germline. Not counted in ClinVar's aggregate classification.
Comment: This variant is classified as likely benign based on ACMG/AMP sequence variant interpretation guidelines (Richards et al. 2015 PMID: 25741868, with internal and published modifications).

Literature cited by the submitters: PubMed 27420379 (cited by Athena Diagnostics and Women's Health and Genetics/Laboratory Corporation of America, LabCorp); PubMed 26059258 (cited by Athena Diagnostics and Women's Health and Genetics/Laboratory Corporation of America, LabCorp); PubMed 21569088 (cited by Athena Diagnostics); PubMed 29439679 (cited by Women's Health and Genetics/Laboratory Corporation of America, LabCorp); PubMed 31366392 (cited by Clinical Genomics, Uppaluri K&H Personalized Medicine Clinic); PubMed 19855005 (cited by Clinical Genomics, Uppaluri K&H Personalized Medicine Clinic); PubMed 29396371 (cited by Clinical Genomics, Uppaluri K&H Personalized Medicine Clinic); PubMed 28436541 (cited by Clinical Genomics, Uppaluri K&H Personalized Medicine Clinic); PubMed 27386488 (cited by Clinical Genomics, Uppaluri K&H Personalized Medicine Clinic); PubMed 19817786 (cited by Clinical Genomics, Uppaluri K&H Personalized Medicine Clinic).